The following is an entry in ClinVar:

NM_006517.5(SLC16A2):c.151C>T (p.Pro51Ser)

Gene: SLC16A2 (solute carrier family 16 member 2; plus strand). Cytogenetic location: Xq13.2.
Variant type: single nucleotide variant.
Coding change: c.151C>T on transcript NM_006517.5 (MANE Select); coding-DNA position 151, C replaced by T.
Protein change: p.Pro51Ser; replaces proline 51 with serine.
Molecular consequence: missense variant.
Genome position (GRCh38, 1-based): chrX:74,421,788, C>T. VCF-style: chrX-74421788-C-T. GRCh37 (hg19) VCF-style: chrX-73641623-C-T.
Other names: c.373C>T (NM_006517.3); short protein forms P51S.
Identifiers: ClinVar variation 2730925 (VCV002730925.4), dbSNP rs1928302454, ClinGen allele CA413655883.

ClinVar aggregate classification (germline): Uncertain significance. Review status: criteria provided, multiple submitters, no conflicts (2 of 4 stars). 2 submissions from 2 submitters: Uncertain significance (2). Last evaluated 2025-05-13.

Conditions:
Spastic paraplegia. Identifiers: MedGen C0037772, HP:0001258.
Inborn genetic diseases. Identifiers: MedGen C0950123, MeSH D030342.

Allele frequency attached by ClinVar (database versions not stated): TOPMed 0.00001.

Submissions (2):

Ambry Genetics
Classification: Uncertain significance for Inborn genetic diseases. Last evaluated: 2025-05-13. Review status: criteria provided, single submitter. Criteria: Ambry Variant Classification Scheme 2023. Collection method: clinical testing. Allele origin: germline.

Labcorp Genetics (formerly Invitae), Labcorp
Classification: Uncertain significance for Spastic paraplegia. Last evaluated: 2023-10-15. Review status: criteria provided, single submitter. Criteria: Invitae Variant Classification Sherloc (09022015). Collection method: clinical testing. Allele origin: germline.
Comment: This sequence change replaces proline, which is neutral and non-polar, with serine, which is neutral and polar, at codon 51 of the SLC16A2 protein (p.Pro51Ser). This variant is not present in population databases (gnomAD no frequency). This variant has not been reported in the literature in individuals affected with SLC16A2-related conditions. Advanced modeling of protein sequence and biophysical properties (such as structural, functional, and spatial information, amino acid conservation, physicochemical variation, residue mobility, and thermodynamic stability) has been performed at Invitae for this missense variant, however the output from this modeling did not meet the statistical confidence thresholds required to predict the impact of this variant on SLC16A2 protein function. In summary, the available evidence is currently insufficient to determine the role of this variant in disease. Therefore, it has been classified as a Variant of Uncertain Significance.